The following is an entry in ClinVar:

NM_018062.4(FANCL):c.763G>A (p.Gly255Arg)

Gene: FANCL (FA complementation group L; minus strand). Cytogenetic location: 2p16.1.
Variant type: single nucleotide variant.
Coding change: c.763G>A on transcript NM_018062.4 (MANE Select); coding-DNA position 763, G replaced by A.
Protein change: p.Gly255Arg; replaces glycine 255 with arginine.
Molecular consequence: missense variant.
Genome position (GRCh38, 1-based): chr2:58,163,446, C>T on the plus strand (G>A on the coding strand, the complement: FANCL is on the minus strand). VCF-style: chr2-58163446-C-T. GRCh37 (hg19) VCF-style: chr2-58390581-C-T.
Other names: c.778G>A, p.Gly260Arg (NM_001114636.2); c.808G>A, p.Gly270Arg (NM_001374615.1); c.823G>A, p.Gly275Arg (NM_001410792.1); short protein forms G255R, G260R, G270R, G275R.
Identifiers: ClinVar variation 1390848 (VCV001390848.7), dbSNP rs2104799685, ClinGen allele CA346935895.

ClinVar aggregate classification (germline): Uncertain significance (1 of 4 stars; one submission).

Conditions:
Fanconi anemia (FA). Also called: Fanconi's anemia. Identifiers: Orphanet 84, MedGen C0015625, MeSH D005199, MONDO:0019391.

Submission:

Labcorp Genetics (formerly Invitae), Labcorp
Classification: Uncertain significance for Fanconi anemia. Last evaluated: 2022-06-27. Review status: criteria provided, single submitter. Criteria: Invitae Variant Classification Sherloc (09022015). Collection method: clinical testing. Allele origin: germline.
Comment: In summary, the available evidence is currently insufficient to determine the role of this variant in disease. Therefore, it has been classified as a Variant of Uncertain Significance. Algorithms developed to predict the effect of sequence changes on RNA splicing suggest that this variant may disrupt the consensus splice site. Algorithms developed to predict the effect of missense changes on protein structure and function (SIFT, PolyPhen-2, Align-GVGD) all suggest that this variant is likely to be disruptive. This variant has not been reported in the literature in individuals affected with FANCL-related conditions. This variant is not present in population databases (gnomAD no frequency). This sequence change replaces glycine, which is neutral and non-polar, with arginine, which is basic and polar, at codon 255 of the FANCL protein (p.Gly255Arg).